The following is an entry in ClinVar:

NM_017636.4(TRPM4):c.2478C>G (p.Cys826Trp)

Gene: TRPM4 (transient receptor potential cation channel subfamily M member 4; plus strand). Cytogenetic location: 19q13.33.
Variant type: single nucleotide variant.
Coding change: c.2478C>G on transcript NM_017636.4 (MANE Select); coding-DNA position 2478, C replaced by G.
Protein change: p.Cys826Trp; replaces cysteine 826 with tryptophan.
Molecular consequence: missense variant. On other transcripts: intron variant (1).
Genome position (GRCh38, 1-based): chr19:49,196,707, C>G. VCF-style: chr19-49196707-C-G. GRCh37 (hg19) VCF-style: chr19-49699964-C-G.
Other names: c.2133C>G, p.Cys711Trp (NM_001321281.2); c.870C>G, p.Cys290Trp (NM_001321282.2); c.1956C>G, p.Cys652Trp (NM_001321283.2); c.1416C>G, p.Cys472Trp (NM_001321285.2); c.2211-3593C>G (NM_001195227.2); short protein forms C652W, C472W, C290W, C711W, C826W.
Identifiers: ClinVar variation 2804457 (VCV002804457.3), dbSNP rs376825027, ClinGen allele CA406809311.

ClinVar aggregate classification (germline): Uncertain significance (1 of 4 stars; one submission).

Conditions:
Progressive familial heart block type IB (PFHB1B). Identifiers: Orphanet 871, MedGen C1970298, MONDO:0011474, OMIM 604559.

Submission:

Labcorp Genetics (formerly Invitae), Labcorp
Classification: Uncertain significance for Progressive familial heart block type IB. Last evaluated: 2023-03-03. Review status: criteria provided, single submitter. Criteria: Invitae Variant Classification Sherloc (09022015). Collection method: clinical testing. Allele origin: germline.
Comment: This sequence change replaces cysteine, which is neutral and slightly polar, with tryptophan, which is neutral and slightly polar, at codon 826 of the TRPM4 protein (p.Cys826Trp). This variant is not present in population databases (gnomAD no frequency). This variant has not been reported in the literature in individuals affected with TRPM4-related conditions. An algorithm developed to predict the effect of missense changes on protein structure and function (PolyPhen-2) suggests that this variant is likely to be disruptive. In summary, the available evidence is currently insufficient to determine the role of this variant in disease. Therefore, it has been classified as a Variant of Uncertain Significance.